The following is an entry in ClinVar:

ClinVar aggregate classification (germline): Pathogenic (1 of 4 stars; one submission).

Conditions:
Inborn genetic diseases. Identifiers: MedGen C0950123, MeSH D030342.

Submission:

Ambry Genetics
Classification: Pathogenic for Inborn genetic diseases. Last evaluated: 2026-02-27. Review status: criteria provided, single submitter. Criteria: Ambry Variant Classification Scheme 2023. Collection method: clinical testing. Allele origin: germline.
Comment: The c.1242T>G (p.Y414*) alteration, located in exon 10 (coding exon 9) of the SCN8A gene, consists of a T to G substitution at nucleotide position 1242. This changes the amino acid from a tyrosine (Y) to a stop codon at amino acid position 414. This variant is expected to result in loss of function by premature protein truncation or nonsense-mediated mRNA decay. for AD SCN8A-related neurodevelopmental disorder; however, its clinical significance for AD SCN8A-related seizure disorder is uncertain. This variant was not reported in population-based cohorts in the Genome Aggregation Database (gnomAD). Based on the available evidence, this alteration is classified as pathogenic.

NM_001330260.2(SCN8A):c.1242T>G (p.Tyr414Ter)

Gene: SCN8A (sodium voltage-gated channel alpha subunit 8; plus strand). Cytogenetic location: 12q13.13.
Variant type: single nucleotide variant.
Coding change: c.1242T>G on transcript NM_001330260.2 (MANE Select); coding-DNA position 1242, T replaced by G.
Protein change: p.Tyr414Ter; replaces tyrosine 414 with a stop codon.
Molecular consequence: nonsense.
Genome position (GRCh38, 1-based): chr12:51,705,524, T>G. VCF-style: chr12-51705524-T-G. GRCh37 (hg19) VCF-style: chr12-52099308-T-G.
Other names: c.1242T>G, p.Tyr414Ter (NM_001177984.3, NM_001369788.1, NM_014191.4); short protein forms Y414*.
Identifiers: ClinVar variation 4840022 (VCV004840022.1).
Genomic context (GRCh38, chr12:51,705,524, plus strand): 5'-CATCTTTGTGGGTTCTTTCTATCTGGTGAACTTGATCTTGGCTGTGGTGGCCATGGCTTA[T>G]GAAGAACAGAATCAGGCAACACTGGAGGAGGCAGAACAAAAAGAGGCTGAATTTAAAGCA-3'